The following is an entry in ClinVar:

NM_003931.3(WASF1):c.412_415del (p.Thr138fs)

Gene: WASF1 (WASP family member 1; minus strand). Cytogenetic location: 6q21.
Variant type: Microsatellite.
Coding change: c.412_415del on transcript NM_003931.3 (MANE Select); coding-DNA positions 412 to 415, 4 bases deleted (ACTC; older notation c.412_415delACTC).
Protein change: p.Thr138fs; shifts the reading frame from threonine 138.
Molecular consequence: frameshift variant.
Genome position (GRCh38, 1-based): chr6:110,108,535-110,108,538, GAGT deleted on the plus strand (ACTC on the coding strand, the reverse complement: WASF1 is on the minus strand); deleting any 4 consecutive bases within chr6:110,108,535-110,108,542 gives the same sequence; the c. name uses the placement nearest the transcript's 3' end. VCF-style (leftmost placement, unchanged base first): chr6-110108534-GGAGT-G. GRCh37 (hg19) VCF-style: chr6-110429737-GGAGT-G.
Other names: c.412_415del, p.Thr138fs (NM_001024934.2, NM_001024935.2, NM_001024936.2); short protein forms T138fs.
Identifiers: ClinVar variation 4690198 (VCV004690198.1).

ClinVar aggregate classification (germline): Uncertain significance (1 of 4 stars; one submission).

Submission:

GeneDx
Classification: Uncertain significance. Last evaluated: 2025-08-01. Review status: criteria provided, single submitter. Criteria: GeneDx Variant Classification Process June 2021. Collection method: clinical testing. Allele origin: germline. Affected: yes.
Comment: Not observed at significant frequency in large population cohorts (gnomAD); Frameshift variant predicted to result in protein truncation or nonsense mediated decay in a gene for which loss-of-function is not an established mechanism of disease; Has not been previously published as pathogenic or benign to our knowledge